The following is an entry in ClinVar:

NM_025137.4(SPG11):c.4870C>T (p.Gln1624Ter)

Gene: SPG11 (SPG11 vesicle trafficking associated, spatacsin; minus strand). Cytogenetic location: 15q21.1.
Variant type: single nucleotide variant.
Coding change: c.4870C>T on transcript NM_025137.4 (MANE Select); coding-DNA position 4870, C replaced by T.
Protein change: p.Gln1624Ter; replaces glutamine 1624 with a stop codon.
Molecular consequence: nonsense.
Genome position (GRCh38, 1-based): chr15:44,589,288, G>A on the plus strand (C>T on the coding strand, the complement: SPG11 is on the minus strand). VCF-style: chr15-44589288-G-A. GRCh37 (hg19) VCF-style: chr15-44881486-G-A.
Other names: c.4870C>T, p.Gln1624Ter (NM_001160227.2, NM_001411132.1); short protein forms Q1624*.
Identifiers: ClinVar variation 2977691 (VCV002977691.3), dbSNP rs1032475686, ClinGen allele CA270088608.
Genomic context (GRCh38, chr15:44,589,288, plus strand): 5'-ACTTAACTGTAAGGATTGTCTTACCATCAGAGAAGAGATGCTCTCTTTCAACAAAGAGCT[G>A]TAAAAGCTTCCCCAGCTCATACTGGGTCTTACACTGCTGTAGCATAAGCTTCAAAAGGAA-3'

ClinVar aggregate classification (germline): Pathogenic (1 of 4 stars; one submission).

Conditions:
Hereditary spastic paraplegia 11. Also called: Nakamura Osame syndrome; Autosomal recessive hereditary spastic paraplegia, mental impairment, and thin corpus callosum; Spastic Paraplegia 11; Spastic paraplegia, mental retardation and thin corpus callosum; SPASTIC PARAPLEGIA, AUTOSOMAL RECESSIVE, COMPLICATED, WITH THIN CORPUS CALLOSUM; SPASTIC PARAPLEGIA, AUTOSOMAL RECESSIVE, WITH MENTAL IMPAIRMENT AND THIN CORPUS CALLOSUM. Identifiers: Orphanet 2822, MedGen C1858479, MONDO:0011445, OMIM 604360.

Allele frequency attached by ClinVar (database versions not stated): gnomAD exomes below 0.00001; TOPMed below 0.00001.
gnomAD v4.1: 3 of 1,614,132 alleles (0.00019%); highest among the groups gnomAD compares: Admixed American, 0.0017%; no homozygotes.

Submission:

Labcorp Genetics (formerly Invitae), Labcorp
Classification: Pathogenic for Hereditary spastic paraplegia 11. Last evaluated: 2023-02-15. Review status: criteria provided, single submitter. Criteria: Invitae Variant Classification Sherloc (09022015). Collection method: clinical testing. Allele origin: germline.
Comment: This sequence change creates a premature translational stop signal (p.Gln1624*) in the SPG11 gene. It is expected to result in an absent or disrupted protein product. Loss-of-function variants in SPG11 are known to be pathogenic (PMID: 19105190, 20110243, 22154821, 26556829). This variant is present in population databases (no rsID available, gnomAD 0.003%). This variant has not been reported in the literature in individuals affected with SPG11-related conditions. Algorithms developed to predict the effect of sequence changes on RNA splicing suggest that this variant may create or strengthen a splice site. For these reasons, this variant has been classified as Pathogenic.

Literature cited by the submitters: PubMed 19105190; PubMed 20110243; PubMed 22154821; PubMed 26556829.